The following is an entry in ClinVar:

ClinVar aggregate classification (germline): Conflicting classifications of pathogenicity. Review status: criteria provided, conflicting classifications (1 of 4 stars). 7 submissions from 5 submitters: Uncertain significance (4); Likely benign (2). 1 of the submissions does not count toward it. Last evaluated 2026-04-28.

Conditions:
Acute febrile neutrophilic dermatosis (AFND). Also called: Gomm Button disease; Sweet Syndrome. Identifiers: Orphanet 3243, MedGen C0085077, MONDO:0011959, OMIM 608068.
Familial Mediterranean fever, autosomal dominant. Also called: FMF, AUTOSOMAL DOMINANT; Dominant Familial Mediterranean Fever. Identifiers: Orphanet 342, MedGen C1851347, MONDO:0007601, OMIM 134610.
Familial Mediterranean fever (FMF). Also called: POLYSEROSITIS, FAMILIAL PAROXYSMAL; POLYSEROSITIS, RECURRENT; Periodic peritonitis; Benign paroxysmal peritonitis. Identifiers: Orphanet 342, MedGen C0031069, MONDO:0018088, OMIM 249100. Disease mechanism: gain of function.

Submissions (7):

Women's Health and Genetics/Laboratory Corporation of America, LabCorp
Classification: Uncertain significance. Last evaluated: 2026-04-28. Review status: criteria provided, single submitter. Criteria: LabCorp Variant Classification Summary - May 2015. Collection method: clinical testing. Allele origin: germline.
Comment: Variant summary: MEFV c.1405G>T (p.Val469Leu) results in a conservative amino acid change in the encoded protein sequence. Algorithms developed to predict the effect of missense changes on protein structure and function all suggest that this variant is likely to be tolerated. The variant was absent in 251490 control chromosomes (gnomAD). The available data on variant occurrences in the general population are insufficient to allow any conclusion about variant significance. c.1405G>T has been observed in individual(s) affected with Familial Mediterranean Fever (e.g. Ben-Chetrit_2009, Dundar_2022, Batu_2024). These data do not allow any conclusion about variant significance. A recent publication reported experimental evidence evaluating an impact on protein function, however, it didn't allow convincing conclusions about the variant effect (Bronnec_2026). The following publications have been ascertained in the context of this evaluation (PMID: 31411330, 19790133, 41335224, 37228026, 35098403). ClinVar contains an entry for this variant (Variation ID: 97442). Based on the evidence outlined above, the variant was classified as uncertain significance.

GeneDx
Classification: Uncertain significance. Last evaluated: 2024-09-30. Review status: criteria provided, single submitter. Criteria: GeneDx Variant Classification Process June 2021. Collection method: clinical testing. Allele origin: germline. Affected: yes.
Comment: Reported in association with Familial Mediterranean fever in published literature (PMID: 19790133); information is limited; Not observed at significant frequency in large population cohorts (gnomAD); In silico analysis indicates that this missense variant does not alter protein structure/function; This variant is associated with the following publications: (PMID: 34426522, 35098403, 19790133)

Genome-Nilou Lab
Classification: Uncertain significance for Familial Mediterranean fever. Last evaluated: 2023-02-08. Review status: criteria provided, single submitter. Criteria: ACMG Guidelines, 2015. Collection method: clinical testing. Allele origin: germline.

Genome-Nilou Lab
Classification: Likely benign for Familial Mediterranean fever, autosomal dominant. Last evaluated: 2023-02-08. Review status: criteria provided, single submitter. Criteria: ACMG Guidelines, 2015. Collection method: clinical testing. Allele origin: germline.

Genome-Nilou Lab
Classification: Likely benign for Acute febrile neutrophilic dermatosis. Last evaluated: 2023-02-08. Review status: criteria provided, single submitter. Criteria: ACMG Guidelines, 2015. Collection method: clinical testing. Allele origin: germline.

Mendelics
Classification: Uncertain significance for Familial Mediterranean fever. Last evaluated: 2019-05-28. Review status: criteria provided, single submitter. Criteria: Mendelics Assertion Criteria 2017. Collection method: clinical testing. Allele origin: unknown.

Unité médicale des maladies autoinflammatoires, CHRU Montpellier
No classification provided. Condition: Familial Mediterranean fever. Review status: no classification provided. Collection method: not provided. Allele origin: unknown. Not counted in ClinVar's aggregate classification.

Literature cited by the submitters: PubMed 19790133 (cited by Women's Health and Genetics/Laboratory Corporation of America, LabCorp); PubMed 31411330 (cited by Women's Health and Genetics/Laboratory Corporation of America, LabCorp); PubMed 35098403 (cited by Women's Health and Genetics/Laboratory Corporation of America, LabCorp); PubMed 41335224 (cited by Women's Health and Genetics/Laboratory Corporation of America, LabCorp); PubMed 37228026 (cited by Women's Health and Genetics/Laboratory Corporation of America, LabCorp).

NM_000243.3(MEFV):c.1405G>T (p.Val469Leu)

Gene: MEFV (MEFV innate immunity regulator, pyrin; minus strand). Cytogenetic location: 16p13.3.
Variant type: single nucleotide variant.
Coding change: c.1405G>T on transcript NM_000243.3 (MANE Select); coding-DNA position 1405, G replaced by T.
Protein change: p.Val469Leu; replaces valine 469 with leucine.
Molecular consequence: missense variant.
Genome position (GRCh38, 1-based): chr16:3,247,198, C>A on the plus strand (G>T on the coding strand, the complement: MEFV is on the minus strand). VCF-style: chr16-3247198-C-A. GRCh37 (hg19) VCF-style: chr16-3297198-C-A.
Other names: c.772G>T, p.Val258Leu (NM_001198536.2); short protein forms V469L, V258L.
Identifiers: ClinVar variation 97442 (VCV000097442.6), dbSNP rs104895173, ClinGen allele CA280395.